The following is an entry in ClinVar:

NM_024757.5(EHMT1):c.563A>G (p.Asp188Gly)

Gene: EHMT1 (euchromatic histone lysine methyltransferase 1; plus strand). Cytogenetic location: 9q34.3.
Variant type: single nucleotide variant.
Coding change: c.563A>G on transcript NM_024757.5 (MANE Select); coding-DNA position 563, A replaced by G.
Protein change: p.Asp188Gly; replaces aspartic acid 188 with glycine.
Molecular consequence: missense variant.
Genome position (GRCh38, 1-based): chr9:137,717,103, A>G. VCF-style: chr9-137717103-A-G. GRCh37 (hg19) VCF-style: chr9-140611555-A-G.
Other names: c.563A>G (NM_024757.4); c.563A>G, p.Asp188Gly (NM_001145527.2, NM_001354263.2, NM_001354611.2); c.470A>G, p.Asp157Gly (NM_001354259.2, NM_001354612.2); short protein forms D188G, D157G.
Identifiers: ClinVar variation 2003930 (VCV002003930.5), dbSNP rs2541038785, ClinGen allele CA375765916.

ClinVar aggregate classification (germline): Conflicting classifications of pathogenicity. Review status: criteria provided, conflicting classifications (1 of 4 stars). 2 submissions from 2 submitters: Uncertain significance (1); Likely benign (1). Last evaluated 2023-12-04.

Conditions:
Kleefstra syndrome 1 (KLEFS1). Identifiers: Orphanet 261494, MedGen C0795833, MONDO:0027407, OMIM 610253.
Inborn genetic diseases. Identifiers: MedGen C0950123, MeSH D030342.

Allele frequency attached by ClinVar (database versions not stated): gnomAD exomes 0.00001.

Submissions (2):

Ambry Genetics
Classification: Likely benign for Inborn genetic diseases. Last evaluated: 2023-12-04. Review status: criteria provided, single submitter. Criteria: Ambry Variant Classification Scheme 2023. Collection method: clinical testing. Allele origin: germline.

Labcorp Genetics (formerly Invitae), Labcorp
Classification: Uncertain significance for Kleefstra syndrome 1. Last evaluated: 2022-07-04. Review status: criteria provided, single submitter. Criteria: Invitae Variant Classification Sherloc (09022015). Collection method: clinical testing. Allele origin: germline.
Comment: In summary, the available evidence is currently insufficient to determine the role of this variant in disease. Therefore, it has been classified as a Variant of Uncertain Significance. Algorithms developed to predict the effect of missense changes on protein structure and function (SIFT, PolyPhen-2, Align-GVGD) all suggest that this variant is likely to be tolerated. This variant has not been reported in the literature in individuals affected with EHMT1-related conditions. This variant is not present in population databases (gnomAD no frequency). This sequence change replaces aspartic acid, which is acidic and polar, with glycine, which is neutral and non-polar, at codon 188 of the EHMT1 protein (p.Asp188Gly).